The following is an entry in ClinVar:

NM_007327.4(GRIN1):c.1535T>G (p.Met512Arg)

Gene: GRIN1 (glutamate ionotropic receptor NMDA type subunit 1; plus strand). Cytogenetic location: 9q34.3.
Variant type: single nucleotide variant.
Coding change: c.1535T>G on transcript NM_007327.4 (MANE Select); coding-DNA position 1535, T replaced by G.
Protein change: p.Met512Arg; replaces methionine 512 with arginine.
Molecular consequence: missense variant.
Genome position (GRCh38, 1-based): chr9:137,161,991, T>G. VCF-style: chr9-137161991-T-G. GRCh37 (hg19) VCF-style: chr9-140056443-T-G.
Other names: c.1535T>G, p.Met512Arg (NM_000832.7, NM_021569.4); c.1598T>G, p.Met533Arg (NM_001185090.2, NM_001185091.2); short protein forms M512R, M533R.
Identifiers: ClinVar variation 4071561 (VCV004071561.1).

ClinVar aggregate classification (germline): Uncertain significance (1 of 4 stars; one submission).

Submission:

GeneDx
Classification: Uncertain significance. Last evaluated: 2025-01-25. Review status: criteria provided, single submitter. Criteria: GeneDx Variant Classification Process June 2021. Collection method: clinical testing. Allele origin: germline. Affected: yes.
Comment: Not observed at significant frequency in large population cohorts (gnomAD); In silico analysis supports that this missense variant has a deleterious effect on protein structure/function; Has not been previously published as pathogenic or benign to our knowledge